The following is an entry in ClinVar:

NM_000051.4(ATM):c.1236-8T>C

Gene: ATM (ATM serine/threonine kinase; plus strand). Cytogenetic location: 11q22.3.
Variant type: single nucleotide variant.
Coding change: c.1236-8T>C on transcript NM_000051.4 (MANE Select); 8 bases into the intron before coding-DNA position 1236, T replaced by C.
Molecular consequence: intron variant.
Genome position (GRCh38, 1-based): chr11:108,250,693, T>C. VCF-style: chr11-108250693-T-C. GRCh37 (hg19) VCF-style: chr11-108121420-T-C.
Other names: c.1236-8T>C (NM_001351834.2).
Identifiers: ClinVar variation 453358 (VCV000453358.12), dbSNP rs756160331, ClinGen allele CA6264788.

ClinVar aggregate classification (germline): Likely benign. Review status: criteria provided, multiple submitters, no conflicts (2 of 4 stars). 3 submissions from 3 submitters: Likely benign (3). Last evaluated 2026-01-10.

Conditions:
Familial cancer of breast. Also called: Hereditary breast cancer; hereditary breast carcinoma; BREAST CANCER, FAMILIAL. Identifiers: Orphanet 227535, MedGen C0346153, MONDO:0016419, OMIM 114480. Disease mechanism: loss of function.
Ataxia-telangiectasia syndrome (AT). Also called: Cerebello-oculocutaneous telangiectasia; Immunodeficiency with ataxia telangiectasia; Ataxia-telangiectasia, complementation group D; AT, COMPLEMENTATION GROUP C; Ataxia-telangiectasia, complementation group E; LOUIS-BAR SYNDROME. Identifiers: Orphanet 100, MedGen C0004135, MONDO:0008840, OMIM 208900.

Allele frequency attached by ClinVar (database versions not stated): gnomAD exomes below 0.00001; TOPMed below 0.00001; ExAC 0.00001; gnomAD 0.00001.
gnomAD v4.1: 5 of 1,599,180 alleles (0.00031%); highest among the groups gnomAD compares: African/African-American, 0.004%; no homozygotes.

Submissions (3):

Labcorp Genetics (formerly Invitae), Labcorp
Classification: Likely benign for Ataxia-telangiectasia syndrome. Last evaluated: 2026-01-10. Review status: criteria provided, single submitter. Criteria: Invitae Variant Classification Sherloc (09022015). Collection method: clinical testing. Allele origin: germline.

Center for Genomic Medicine, Rigshospitalet, Copenhagen University Hospital
Classification: Likely benign. Last evaluated: 2025-03-04. Review status: criteria provided, single submitter. Criteria: ACMG Guidelines, 2015. Collection method: clinical testing. Allele origin: germline.

Myriad Genetics, Inc.
Classification: Likely benign for Familial cancer of breast. Last evaluated: 2024-04-26. Review status: criteria provided, single submitter. Criteria: Myriad Autosomal Dominant, Autosomal Recessive and X-Linked Classification Criteria (2023). Collection method: clinical testing. Allele origin: unknown.
Comment: This variant is considered likely benign. This variant is intronic and is not expected to impact mRNA splicing.